The following is an entry in ClinVar:

NM_006892.4(DNMT3B):c.101C>T (p.Ser34Leu)

Gene: DNMT3B (DNA methyltransferase 3 beta; plus strand). Cytogenetic location: 20q11.21.
Variant type: single nucleotide variant.
Coding change: c.101C>T on transcript NM_006892.4 (MANE Select); coding-DNA position 101, C replaced by T.
Protein change: p.Ser34Leu; replaces serine 34 with leucine.
Molecular consequence: missense variant.
Genome position (GRCh38, 1-based): chr20:32,780,424, C>T. VCF-style: chr20-32780424-C-T. GRCh37 (hg19) VCF-style: chr20-31368230-C-T.
Other names: c.101C>T, p.Ser34Leu (NM_001207055.2, NM_001207056.2, NM_175848.2 and 1 more transcripts); c.137C>T, p.Ser46Leu (NM_175850.3); short protein forms S46L, S34L.
Identifiers: ClinVar variation 858241 (VCV000858241.1), dbSNP rs766920119, ClinGen allele CA9810030.

ClinVar aggregate classification (germline): Uncertain significance (1 of 4 stars; one submission).

Conditions:
Centromeric instability of chromosomes 1,9 and 16 and immunodeficiency (ICF1). Also called: CENTROMERIC INSTABILITY, IMMUNODEFICIENCY SYNDROME; IMMUNE DEFICIENCY, VARIABLE, WITH CENTROMERIC INSTABILITY OF CHROMOSOMES 1, 9, AND 16; IMMUNODEFICIENCY SYNDROME, VARIABLE; Immunodeficiency-centromeric instability-facial anomalies. Identifiers: Orphanet 2268, MedGen C0398788, MONDO:0000133.

Allele frequency attached by ClinVar (database versions not stated): gnomAD exomes 0.00001 and 0.00002; ExAC 0.00003; gnomAD 0.00003; TOPMed 0.00007.
gnomAD v4.1: 14 of 1,613,656 alleles (0.00087%); highest among the groups gnomAD compares: Admixed American, 0.0067%; no homozygotes.

Submission:

Labcorp Genetics (formerly Invitae), Labcorp
Classification: Uncertain significance for Centromeric instability of chromosomes 1,9 and 16 and immunodeficiency. Last evaluated: 2019-12-31. Review status: criteria provided, single submitter. Criteria: Invitae Variant Classification Sherloc (09022015). Collection method: clinical testing. Allele origin: germline.
Comment: This sequence change replaces serine with leucine at codon 34 of the DNMT3B protein (p.Ser34Leu). The serine residue is moderately conserved and there is a large physicochemical difference between serine and leucine. This variant is present in population databases (rs766920119, ExAC 0.006%). This variant has not been reported in the literature in individuals with DNMT3B-related conditions. Algorithms developed to predict the effect of missense changes on protein structure and function are either unavailable or do not agree on the potential impact of this missense change (SIFT: "Deleterious"; PolyPhen-2: "Benign"; Align-GVGD: "Class C0"). In summary, the available evidence is currently insufficient to determine the role of this variant in disease. Therefore, it has been classified as a Variant of Uncertain Significance.